The following is an entry in ClinVar:

ClinVar aggregate classification (germline): Pathogenic (1 of 4 stars; one submission).

Conditions:
Neurofibromatosis, type 1 (NF1). Also called: Neurofibromatosis, type I; Peripheral type neurofibromatosis; VON RECKLINGHAUSEN DISEASE; NEUROFIBROMATOSIS, TYPE I, SOMATIC. Identifiers: Orphanet 636, MedGen C0027831, MONDO:0018975, OMIM 162200. Disease mechanism: loss of function.

Submission:

The Endocrine Laboratory, Qilu Hospital, Shandong University
Classification: Pathogenic for Neurofibromatosis, type 1. Last evaluated: 2025-09-27. Review status: criteria provided, single submitter. Criteria: ACMG Guidelines, 2015. Collection method: clinical testing. Allele origin: de novo. Inheritance: Autosomal dominant inheritance. Affected: yes. Observed: 1 variant allele, 1 heterozygote.
Comment: PVS1: Null variant (nonsense/frameshift/canonical splice site) in a gene where loss-of-function is a known disease mechanism. PM2: Absent or very low frequency in population databases (gnomAD MAF <0.01%). PM6: Assumed de novo. The patient's parents did not undergo genetic testing.

NM_001042492.3(NF1):c.139del (p.Ser47fs)

Gene: NF1 (neurofibromin 1; plus strand). Cytogenetic location: 17q11.2.
Variant type: Deletion.
Coding change: c.139del on transcript NM_001042492.3 (MANE Select); coding-DNA position 139, one base deleted (T; older notation c.139delT).
Protein change: p.Ser47fs; shifts the reading frame from serine 47.
Molecular consequence: frameshift variant.
Genome position (GRCh38, 1-based): chr17:31,156,061, T deleted; the last of 3 consecutive T bases (chr17:31,156,059-31,156,061); deleting any one gives the same sequence. VCF-style (leftmost placement, unchanged base first): chr17-31156058-AT-A. GRCh37 (hg19) VCF-style: chr17-29483076-AT-A.
Other names: c.139del, p.Ser47fs (NM_000267.4, NM_001128147.3); short protein forms S47fs.
Identifiers: ClinVar variation 4082110 (VCV004082110.1).
Genomic context (GRCh38, chr17:31,156,058, plus strand): 5'-GGACAGCAGAACACACATACCAAAGTCAGTACTGAGCACAACAAGGAATGTCTAATCAAT[AT>A]TTCCAAATACAAGTTTTCTTTGGTTATAAGCGGCCTCACTACTATTTTAAAGAATGTTAA-3'